The following is an entry in ClinVar:

ClinVar aggregate classification (germline): Uncertain significance (1 of 4 stars; one submission).

gnomAD v4.1: 4 of 1,612,674 alleles (0.00025%); highest among the groups gnomAD compares: Non-Finnish European, 0.00025%; no homozygotes.

Submission:

Labcorp Genetics (formerly Invitae), Labcorp
Classification: Uncertain significance. Last evaluated: 2022-02-08. Review status: criteria provided, single submitter. Criteria: Invitae Variant Classification Sherloc (09022015). Collection method: clinical testing. Allele origin: germline.
Comment: In summary, the available evidence is currently insufficient to determine the role of this variant in disease. Therefore, it has been classified as a Variant of Uncertain Significance. Algorithms developed to predict the effect of missense changes on protein structure and function are either unavailable or do not agree on the potential impact of this missense change (SIFT: "Deleterious"; PolyPhen-2: "Probably Damaging"; Align-GVGD: "Class C0"). This variant has not been reported in the literature in individuals affected with TTLL5-related conditions. This variant is not present in population databases (gnomAD no frequency). This sequence change replaces proline, which is neutral and non-polar, with leucine, which is neutral and non-polar, at codon 1047 of the TTLL5 protein (p.Pro1047Leu).

NM_015072.5(TTLL5):c.3140C>T (p.Pro1047Leu)

Gene: TTLL5 (tubulin tyrosine ligase like 5; plus strand). Cytogenetic location: 14q24.3.
Variant type: single nucleotide variant.
Coding change: c.3140C>T on transcript NM_015072.5 (MANE Select); coding-DNA position 3140, C replaced by T.
Protein change: p.Pro1047Leu; replaces proline 1047 with leucine.
Molecular consequence: missense variant.
Genome position (GRCh38, 1-based): chr14:75,793,069, C>T. VCF-style: chr14-75793069-C-T. GRCh37 (hg19) VCF-style: chr14-76259412-C-T.
Other names: short protein forms P1047L.
Identifiers: ClinVar variation 2095222 (VCV002095222.4), dbSNP rs2503348004, ClinGen allele CA390473663.